The following is an entry in ClinVar:

NM_005245.4(FAT1):c.7957G>A (p.Gly2653Ser)

Gene: FAT1 (FAT atypical cadherin 1; minus strand). Cytogenetic location: 4q35.2.
Variant type: single nucleotide variant.
Coding change: c.7957G>A on transcript NM_005245.4 (MANE Select); coding-DNA position 7957, G replaced by A.
Protein change: p.Gly2653Ser; replaces glycine 2653 with serine.
Molecular consequence: missense variant.
Genome position (GRCh38, 1-based): chr4:186,618,629, C>T on the plus strand (G>A on the coding strand, the complement: FAT1 is on the minus strand). VCF-style: chr4-186618629-C-T. GRCh37 (hg19) VCF-style: chr4-187539783-C-T.
Other names: c.7957G>A (NM_005245.3); short protein forms G2653S.
Identifiers: ClinVar variation 2047647 (VCV002047647.10), dbSNP rs200149452, ClinGen allele CA3165965.

ClinVar aggregate classification (germline): Uncertain significance. Review status: criteria provided, multiple submitters, no conflicts (2 of 4 stars). 5 submissions from 5 submitters: Uncertain significance (4). 1 of the submissions does not count toward it. Last evaluated 2026-03-01.

Conditions:
FAT1-related disorder. Also called: FAT1-related condition.

Allele frequency attached by ClinVar (database versions not stated): ESP Exome Variant Server 0.00034; gnomAD exomes 0.00052; ExAC 0.00054; 1000 Genomes Project 30x 0.00062; gnomAD 0.00068; 1000 Genomes Project 0.00080; TOPMed 0.00108.
gnomAD v4.1: 889 of 1,613,984 alleles (0.055%); highest among the groups gnomAD compares: Middle Eastern, 0.26%; 1 homozygote.

Submissions (5):

CeGaT Center for Human Genetics Tuebingen
Classification: Uncertain significance. Last evaluated: 2026-03-01. Review status: criteria provided, single submitter. Criteria: CeGaT Center For Human Genetics Tuebingen Variant Classification Criteria Version 2. Collection method: clinical testing. Allele origin: germline. Affected: yes. Observed: 1 variant allele.
Comment: FAT1: PM2

Blueprint Genetics
Classification: Uncertain significance. Last evaluated: 2024-11-08. Review status: criteria provided, single submitter. Criteria: ACMG Guidelines, 2015. Collection method: clinical testing. Allele origin: germline.

Labcorp Genetics (formerly Invitae), Labcorp
Classification: Uncertain significance. Last evaluated: 2022-10-17. Review status: criteria provided, single submitter. Criteria: Invitae Variant Classification Sherloc (09022015). Collection method: clinical testing. Allele origin: germline.
Comment: This sequence change replaces glycine, which is neutral and non-polar, with serine, which is neutral and polar, at codon 2653 of the FAT1 protein (p.Gly2653Ser). This variant is present in population databases (rs200149452, gnomAD 0.2%), and has an allele count higher than expected for a pathogenic variant. This variant has not been reported in the literature in individuals affected with FAT1-related conditions. Advanced modeling of protein sequence and biophysical properties (such as structural, functional, and spatial information, amino acid conservation, physicochemical variation, residue mobility, and thermodynamic stability) performed at Invitae indicates that this missense variant is not expected to disrupt FAT1 protein function. In summary, the available evidence is currently insufficient to determine the role of this variant in disease. Therefore, it has been classified as a Variant of Uncertain Significance.

Revvity Omics, Revvity
Classification: Uncertain significance. Last evaluated: 2022-04-01. Review status: criteria provided, single submitter. Criteria: ACMG Guidelines, 2015. Collection method: clinical testing. Allele origin: germline.

PreventionGenetics, part of Exact Sciences
Classification: Likely benign for FAT1-related condition. Last evaluated: 2022-07-08. Review status: no assertion criteria provided. Collection method: clinical testing. Allele origin: germline. Not counted in ClinVar's aggregate classification.
Comment: This variant is classified as likely benign based on ACMG/AMP sequence variant interpretation guidelines (Richards et al. 2015 PMID: 25741868, with internal and published modifications).